The following is an entry in ClinVar:

NM_032578.4(MYPN):c.674A>G (p.Asn225Ser)

Gene: MYPN (myopalladin; plus strand). Cytogenetic location: 10q21.3.
Variant type: single nucleotide variant.
Coding change: c.674A>G on transcript NM_032578.4 (MANE Select); coding-DNA position 674, A replaced by G.
Protein change: p.Asn225Ser; replaces asparagine 225 with serine.
Molecular consequence: missense variant. On other transcripts: 5 prime UTR variant (1), non-coding transcript variant (1).
Genome position (GRCh38, 1-based): chr10:68,122,112, A>G. VCF-style: chr10-68122112-A-G. GRCh37 (hg19) VCF-style: chr10-69881869-A-G.
Other names: c.674A>G, p.Asn225Ser (NM_001256267.2); c.-449A>G (NM_001256268.2); short protein forms N225S.
Identifiers: ClinVar variation 2129945 (VCV002129945.4), dbSNP rs2495465756, ClinGen allele CA377104876.

ClinVar aggregate classification (germline): Uncertain significance (1 of 4 stars; one submission).

Conditions:
Dilated cardiomyopathy 1KK (CMD1KK). Identifiers: Orphanet 154, Orphanet 75249, MedGen C3714995, MONDO:0014100, OMIM 615248.

Submission:

Labcorp Genetics (formerly Invitae), Labcorp
Classification: Uncertain significance for Dilated cardiomyopathy 1KK. Last evaluated: 2022-04-27. Review status: criteria provided, single submitter. Criteria: Invitae Variant Classification Sherloc (09022015). Collection method: clinical testing. Allele origin: germline.
Comment: This sequence change replaces asparagine, which is neutral and polar, with serine, which is neutral and polar, at codon 225 of the MYPN protein (p.Asn225Ser). This variant is not present in population databases (gnomAD no frequency). This variant has not been reported in the literature in individuals affected with MYPN-related conditions. Algorithms developed to predict the effect of missense changes on protein structure and function (SIFT, PolyPhen-2, Align-GVGD) all suggest that this variant is likely to be tolerated. In summary, the available evidence is currently insufficient to determine the role of this variant in disease. Therefore, it has been classified as a Variant of Uncertain Significance.